The following is an entry in ClinVar:

ClinVar aggregate classification (germline): Conflicting classifications of pathogenicity. Review status: criteria provided, conflicting classifications (1 of 4 stars). 3 submissions from 3 submitters: Uncertain significance (2); Likely benign (1). Last evaluated 2025-06-29.

Conditions:
Arrhythmogenic right ventricular dysplasia 5. Also called: Arrhythmogenic Right Ventricular Dysplasia/Cardiomyopathy 5; ARRHYTHMOGENIC RIGHT VENTRICULAR DYSPLASIA, FAMILIAL, 5. Identifiers: MedGen C1858379, MONDO:0011459, OMIM 604400.
Cardiovascular phenotype. Identifiers: MedGen CN230736.
Cardiomyopathy (CMYO). Also called: Cardiomyopathies. Identifiers: Orphanet 167848, MedGen C0878544, MONDO:0004994, HP:0001638. Inheritance: Various modes of inheritance.

Allele frequency attached by ClinVar (database versions not stated): ESP Exome Variant Server 0.00008; gnomAD exomes below 0.00001; TOPMed below 0.00001; ExAC 0.00001.
gnomAD v4.1: 1 of 1,614,190 alleles (0.000062%); highest among the groups gnomAD compares: African/African-American, 0.0013%; no homozygotes.

Submissions (3):

Color Diagnostics, LLC DBA Color Health
Classification: Uncertain significance for Cardiomyopathy. Last evaluated: 2025-06-29. Review status: criteria provided, single submitter. Criteria: ACMG Guidelines, 2015. Collection method: clinical testing. Allele origin: germline.
Comment: This missense variant replaces leucine with proline at codon 343 of the TMEM43 protein. Computational prediction is inconclusive regarding the impact of this variant on protein structure and function. To our knowledge, functional studies have not been reported for this variant. This variant has not been reported in individuals affected with TMEM43-related disorders in the literature. This variant has been identified in 2/250810 chromosomes in the general population by the Genome Aggregation Database (gnomAD). The available evidence is insufficient to determine the role of this variant in disease conclusively. Therefore, this variant is classified as a Variant of Uncertain Significance.

Ambry Genetics
Classification: Likely benign for Cardiovascular phenotype. Last evaluated: 2023-01-20. Review status: criteria provided, single submitter. Criteria: Ambry Variant Classification Scheme 2023. Collection method: clinical testing. Allele origin: germline.

Labcorp Genetics (formerly Invitae), Labcorp
Classification: Uncertain significance for Arrhythmogenic right ventricular dysplasia 5. Last evaluated: 2022-02-27. Review status: criteria provided, single submitter. Criteria: Invitae Variant Classification Sherloc (09022015). Collection method: clinical testing. Allele origin: germline.
Comment: This sequence change replaces leucine, which is neutral and non-polar, with proline, which is neutral and non-polar, at codon 343 of the TMEM43 protein (p.Leu343Pro). This variant is present in population databases (rs369588299, gnomAD 0.01%). This variant has not been reported in the literature in individuals affected with TMEM43-related conditions. Algorithms developed to predict the effect of missense changes on protein structure and function (SIFT, PolyPhen-2, Align-GVGD) all suggest that this variant is likely to be disruptive. In summary, the available evidence is currently insufficient to determine the role of this variant in disease. Therefore, it has been classified as a Variant of Uncertain Significance.

NM_024334.3(TMEM43):c.1028T>C (p.Leu343Pro)

Gene: TMEM43 (transmembrane protein 43; plus strand). Cytogenetic location: 3p25.1.
Variant type: single nucleotide variant.
Coding change: c.1028T>C on transcript NM_024334.3 (MANE Select); coding-DNA position 1028, T replaced by C.
Protein change: p.Leu343Pro; replaces leucine 343 with proline.
Molecular consequence: missense variant.
Genome position (GRCh38, 1-based): chr3:14,141,620, T>C. VCF-style: chr3-14141620-T-C. GRCh37 (hg19) VCF-style: chr3-14183120-T-C.
Other names: c.1031T>C, p.Leu344Pro (NM_001407274.1); c.1025T>C, p.Leu342Pro (NM_001407275.1, NM_001407276.1); c.1022T>C, p.Leu341Pro (NM_001407277.1); c.1013T>C, p.Leu338Pro (NM_001407278.1); c.953T>C, p.Leu318Pro (NM_001407279.1); c.878T>C, p.Leu293Pro (NM_001407280.1); short protein forms L293P, L318P, L343P, L338P, L341P, L342P, L344P.
Identifiers: ClinVar variation 2196265 (VCV002196265.6), dbSNP rs369588299, ClinGen allele CA050996.